The following is an entry in ClinVar:

ClinVar aggregate classification (germline): Uncertain significance (1 of 4 stars; one submission).

Conditions:
Familial thoracic aortic aneurysm and aortic dissection (TAAD). Also called: Thoracic aortic aneurysms and dissections. Identifiers: Orphanet 91387, MedGen C4707243, MONDO:0019625.

Allele frequency attached by ClinVar (database versions not stated): gnomAD exomes 0.00001.
gnomAD v4.1: 4 of 1,614,148 alleles (0.00025%); highest among the groups gnomAD compares: East Asian, 0.0089%; no homozygotes.

Submission:

All of Us Research Program, National Institutes of Health
Classification: Uncertain significance for Familial thoracic aortic aneurysm and aortic dissection. Last evaluated: 2023-07-10. Review status: criteria provided, single submitter. Criteria: ACMG Guidelines, 2015. Collection method: clinical testing. Allele origin: germline. Inheritance: Autosomal dominant inheritance. Observed: 1 variant allele, 1 heterozygote.
Comment: This missense variant replaces glutamine with arginine at codon 1446 of the MYH11 protein. Computational prediction is inconclusive regarding the impact of this variant on protein structure and function (internally defined REVEL score threshold 0.5 < inconclusive < 0.7, PMID: 27666373). To our knowledge, functional studies have not been reported for this variant. This variant has not been reported in individuals affected with MYH11-related disorders in the literature. This variant has not been identified in the general population by the Genome Aggregation Database (gnomAD). The available evidence is insufficient to determine the role of this variant in disease conclusively. Therefore, this variant is classified as a Variant of Uncertain Significance.

This study involves interpretation of variants in research participants for the purpose of population health screening. Participant phenotype was not available at the time of variant classification. Additional details can be found in publication PMID: 35346344, PMCID: PMC8962531

NM_002474.3(MYH11):c.4316A>G (p.Gln1439Arg)

Genes: MYH11 (myosin heavy chain 11; minus strand), NDE1 (nudE neurodevelopment protein 1; plus strand). Cytogenetic location: 16p13.11.
Variant type: single nucleotide variant.
Coding change: c.4316A>G on transcript NM_002474.3 (MANE Select); coding-DNA position 4316, A replaced by G.
Protein change: p.Gln1439Arg; replaces glutamine 1439 with arginine.
Molecular consequence: missense variant.
Genome position (GRCh38, 1-based): chr16:15,724,210, T>C on the plus strand (A>G on the coding strand, the complement: MYH11 is on the minus strand). VCF-style: chr16-15724210-T-C. GRCh37 (hg19) VCF-style: chr16-15818067-T-C.
Other names: c.4337A>G, p.Gln1446Arg (NM_001040113.2, NM_001040114.2); c.4316A>G, p.Gln1439Arg (NM_022844.3); c.967T>C, p.Trp323Arg (NM_001143979.2, NM_017668.3); short protein forms Q1439R, Q1446R, W323R.
Identifiers: ClinVar variation 3072322 (VCV003072322.1), dbSNP rs2040628969, ClinGen allele CA394856984.